The following is an entry in ClinVar:

ClinVar aggregate classification (germline): Uncertain significance (1 of 4 stars; one submission).

Submission:

GeneDx
Classification: Uncertain significance. Last evaluated: 2020-02-27. Review status: criteria provided, single submitter. Criteria: GeneDx Variant Classification Process June 2021. Collection method: clinical testing. Allele origin: germline. Affected: yes.
Comment: Not observed in large population cohorts (Lek et al., 2016); Missense variants in this gene are often considered pathogenic (Stenson et al., 2014); In silico analysis supports that this missense variant has a deleterious effect on protein structure/function; Has not been previously published as pathogenic or benign to our knowledge

NM_005633.4(SOS1):c.3081T>A (p.Phe1027Leu)

Gene: SOS1 (SOS Ras/Rac guanine nucleotide exchange factor 1; minus strand). Cytogenetic location: 2p22.1.
Variant type: single nucleotide variant.
Coding change: c.3081T>A on transcript NM_005633.4 (MANE Select); coding-DNA position 3081, T replaced by A.
Protein change: p.Phe1027Leu; replaces phenylalanine 1027 with leucine.
Molecular consequence: missense variant.
Genome position (GRCh38, 1-based): chr2:38,996,922, A>T on the plus strand (T>A on the coding strand, the complement: SOS1 is on the minus strand). VCF-style: chr2-38996922-A-T. GRCh37 (hg19) VCF-style: chr2-39224063-A-T.
Other names: c.3060T>A, p.Phe1020Leu (NM_001382394.1); c.3081T>A, p.Phe1027Leu (NM_001382395.1); short protein forms F1027L, F1020L.
Identifiers: ClinVar variation 546172 (VCV000546172.3), dbSNP rs1553351362, ClinGen allele CA346361289.